The following is an entry in ClinVar:

NM_004917.5(KLK4):c.64T>G (p.Ser22Ala)

Gene: KLK4 (kallikrein related peptidase 4; minus strand). Cytogenetic location: 19q13.41.
Variant type: single nucleotide variant.
Coding change: c.64T>G on transcript NM_004917.5 (MANE Select); coding-DNA position 64, T replaced by G.
Protein change: p.Ser22Ala; replaces serine 22 with alanine.
Molecular consequence: missense variant. On other transcripts: 5 prime UTR variant (1).
Genome position (GRCh38, 1-based): chr19:50,909,412, A>C on the plus strand (T>G on the coding strand, the complement: KLK4 is on the minus strand). VCF-style: chr19-50909412-A-C. GRCh37 (hg19) VCF-style: chr19-51412668-A-C.
Other names: c.-234T>G (NM_001302961.2); short protein forms S22A.
Identifiers: ClinVar variation 1258657 (VCV001258657.4), dbSNP rs1654551, ClinGen allele CA9605175.

ClinVar aggregate classification (germline): Benign. Review status: criteria provided, multiple submitters, no conflicts (2 of 4 stars). 2 submissions from 2 submitters: Benign (2). Last evaluated 2021-06-09.

Allele frequency attached by ClinVar (database versions not stated): gnomAD exomes 0.08076 and 0.08809; ExAC 0.09266; ESP Exome Variant Server 0.11910; gnomAD 0.11952 and 0.12116; TOPMed 0.12353; 1000 Genomes Project 0.12859; 1000 Genomes Project 30x 0.13601.

Submissions (2):

GeneDx
Classification: Benign. Last evaluated: 2021-06-09. Review status: criteria provided, single submitter. Criteria: GeneDx Variant Classification Process June 2021. Collection method: clinical testing. Allele origin: germline. Affected: yes.
Comment: This variant is associated with the following publications: (PMID: 22970239)

Breakthrough Genomics
Classification: Benign. Review status: criteria provided, single submitter. Criteria: ACMG Guidelines, 2015. Collection method: not provided. Allele origin: germline. Inheritance: Autosomal recessive inheritance. Affected: yes.